The following is an entry in ClinVar:

NM_033380.3(COL4A5):c.2497del (p.Pro832_Ile833insTer)

Gene: COL4A5 (collagen type IV alpha 5 chain; plus strand). Cytogenetic location: Xq22.3.
Variant type: Deletion.
Coding change: c.2497del on transcript NM_033380.3 (MANE Select); coding-DNA position 2497, one base deleted (A; older notation c.2497delA).
Protein change: p.Pro832_Ile833insTer.
Molecular consequence: nonsense.
Genome position (GRCh38, 1-based): chrX:108,615,012, A deleted; the last of 2 consecutive A bases (chrX:108,615,011-108,615,012); deleting either gives the same sequence. VCF-style (leftmost placement, unchanged base first): chrX-108615010-CA-C. GRCh37 (hg19) VCF-style: chrX-107858240-CA-C.
Other names: c.2497del, p.Pro832_Ile833insTer (NM_000495.5).
Identifiers: ClinVar variation 958418 (VCV000958418.7), dbSNP rs2066901407, ClinGen allele CA1139667743.

ClinVar aggregate classification (germline): Pathogenic (1 of 4 stars; one submission).

Submission:

Labcorp Genetics (formerly Invitae), Labcorp
Classification: Pathogenic. Last evaluated: 2019-10-24. Review status: criteria provided, single submitter. Criteria: Invitae Variant Classification Sherloc (09022015). Collection method: clinical testing. Allele origin: germline.
Comment: For these reasons, this variant has been classified as Pathogenic. This variant has not been reported in the literature in individuals with COL4A5-related conditions. Loss-of-function variants in COL4A5 are known to be pathogenic (PMID: 9195222, 10752524, 14514738, 24854265, 26809805). This variant is not present in population databases (ExAC no frequency). This sequence change creates a premature translational stop signal (p.Ile833*) in the COL4A5 gene. It is expected to result in an absent or disrupted protein product.

Literature cited by the submitters: PubMed 9195222; PubMed 10752524; PubMed 14514738; PubMed 24854265; PubMed 26809805.